The following is an entry in ClinVar:

NM_181458.4(PAX3):c.1420+11G>A

Gene: PAX3 (paired box 3; minus strand). Cytogenetic location: 2q36.1.
Variant type: single nucleotide variant.
Coding change: c.1420+11G>A on transcript NM_181458.4 (MANE Select); 11 bases into the intron after coding-DNA position 1420, G replaced by A.
Molecular consequence: intron variant. On other transcripts: nonsense (1).
Genome position (GRCh38, 1-based): chr2:222,201,933, C>T on the plus strand (G>A on the coding strand, the complement: PAX3 is on the minus strand). VCF-style: chr2-222201933-C-T. GRCh37 (hg19) VCF-style: chr2-223066652-C-T.
Other names: c.1431G>A, p.Trp477Ter (NM_181457.4); c.1417+11G>A (NM_001127366.3); c.1174-491G>A (NM_181460.4, NM_181461.4); c.1420+11G>A (NM_181459.4); short protein forms W477*.
Identifiers: ClinVar variation 4700878 (VCV004700878.1).
Genomic context (GRCh38, chr2:222,201,933, plus strand): 5'-CCTTTCTTAAGGAAGAGTTGAGTTTATCTCCCTTCCAGGAGAAATTGCCCCCTAAAAAGT[C>T]CAAGGCTTACTTTGTCCATACTGCCCATATTGGTAGCCTGTGACAGGGTCCATACTGTAG-3'

ClinVar aggregate classification (germline): Uncertain significance (1 of 4 stars; one submission).

gnomAD v4.1: 5 of 1,613,900 alleles (0.00031%); highest among the groups gnomAD compares: African/African-American, 0.0053%; no homozygotes.

Submission:

Labcorp Genetics (formerly Invitae), Labcorp
Classification: Uncertain significance. Last evaluated: 2025-05-13. Review status: criteria provided, single submitter. Criteria: Invitae Variant Classification Sherloc (09022015). Collection method: clinical testing. Allele origin: germline.
Comment: This sequence change creates a premature translational stop signal (p.Trp477*) in the PAX3 gene. While this is not anticipated to result in nonsense mediated decay, it is expected to disrupt the last 3 amino acid(s) of the PAX3 protein. This variant is present in population databases (rs374089919, gnomAD 0.007%). This variant has not been reported in the literature in individuals affected with PAX3-related conditions. Experimental studies and prediction algorithms are not available or were not evaluated, and the functional significance of this variant is currently unknown. In summary, the available evidence is currently insufficient to determine the role of this variant in disease. Therefore, it has been classified as a Variant of Uncertain Significance.